The following is an entry in ClinVar:

NM_000548.5(TSC2):c.5068+4G>C

Gene: TSC2 (TSC complex subunit 2; plus strand). Cytogenetic location: 16p13.3.
Variant type: single nucleotide variant.
Coding change: c.5068+4G>C on transcript NM_000548.5 (MANE Select); 4 bases into the intron after coding-DNA position 5068, G replaced by C.
Molecular consequence: intron variant.
Genome position (GRCh38, 1-based): chr16:2,087,945, G>C. VCF-style: chr16-2087945-G-C. GRCh37 (hg19) VCF-style: chr16-2137946-G-C.
Other names: c.4999+4G>C (NM_001114382.3); c.4939+4G>C (NM_021055.3, NM_001370405.1); c.4870+4G>C (NM_001363528.2); c.4936+4G>C (NM_001370404.1); c.4867+4G>C (NM_001077183.3); c.4759+4G>C (NM_001318827.2); c.4336+4G>C (NM_001318831.2); c.4723+4G>C (NM_001318829.2); and 1 more.
Identifiers: ClinVar variation 659480 (VCV000659480.6), dbSNP rs1420928521, ClinGen allele CA718904314.

ClinVar aggregate classification (germline): Uncertain significance (1 of 4 stars; one submission).

Conditions:
Tuberous sclerosis 2 (TSC2). Identifiers: Orphanet 805, MedGen C1860707, MONDO:0013199, OMIM 613254.

Allele frequency attached by ClinVar (database versions not stated): TOPMed 0.00001.

Submission:

Labcorp Genetics (formerly Invitae), Labcorp
Classification: Uncertain significance for Tuberous sclerosis 2. Last evaluated: 2021-08-24. Review status: criteria provided, single submitter. Criteria: Invitae Variant Classification Sherloc (09022015). Collection method: clinical testing. Allele origin: germline.
Comment: This sequence change falls in intron 39 of the TSC2 gene. It does not directly change the encoded amino acid sequence of the TSC2 protein. It affects a nucleotide within the consensus splice site of the intron. This variant is not present in population databases (ExAC no frequency). This variant has not been reported in the literature in individuals affected with TSC2-related conditions. Variants that disrupt the consensus splice site are a relatively common cause of aberrant splicing (PMID: 17576681, 9536098). Algorithms developed to predict the effect of sequence changes on RNA splicing suggest that this variant is not likely to affect RNA splicing. In summary, the available evidence is currently insufficient to determine the role of this variant in disease. Therefore, it has been classified as a Variant of Uncertain Significance.

Literature cited by the submitters: PubMed 17576681; PubMed 9536098.